The following is an entry in ClinVar:

NM_001723.7(DST):c.6784C>T (p.Arg2262Cys)

Gene: DST (dystonin; minus strand). Cytogenetic location: 6p12.1.
Variant type: single nucleotide variant.
Coding change: c.6784C>T on transcript NM_001723.7 (MANE Plus Clinical); coding-DNA position 6784, C replaced by T.
Protein change: p.Arg2262Cys; replaces arginine 2262 with cysteine.
Molecular consequence: missense variant. On other transcripts: intron variant (10).
Genome position (GRCh38, 1-based): chr6:56,616,683, G>A on the plus strand (C>T on the coding strand, the complement: DST is on the minus strand). VCF-style: chr6-56616683-G-A. GRCh37 (hg19) VCF-style: chr6-56481481-G-A.
Other names: c.4831-2199C>T (NM_001144769.5); c.4930-2199C>T (NM_001374722.1, NM_001374736.1); c.4957-2199C>T (NM_001374734.1); c.4417-2199C>T (NM_001144770.2); c.4297-2199C>T (NM_001374730.1, NM_001386100.1, NM_183380.4 and 1 more transcripts); c.3319-2199C>T (NM_015548.5); short protein forms R2262C.
Identifiers: ClinVar variation 1447109 (VCV001447109.8), dbSNP rs752058356, ClinGen allele CA3870095.
Genomic context (GRCh38, chr6:56,616,683, plus strand): 5'-AAAACTGTAAGATGGCATTATTCAACAACCCCTGCTGCAGAGCAATTTCTGGAGGAACAC[G>A]AATGCCTCTCACAGGGTCAATGACACCCCCACTGGCAATCTGGGCTTCCAAGATATGTTT-3'
Protein context (NP_001714.1, residues 2252-2272): GGVIDPVRGI[Arg2262Cys]VPPEIALQQG

ClinVar aggregate classification (germline): Uncertain significance (1 of 4 stars; one submission).

Conditions:
Hereditary sensory and autonomic neuropathy type 6. Also called: HSAN VI; Neuropathy, hereditary sensory and autonomic, type VI. Identifiers: Orphanet 314381, MedGen C3539003, MONDO:0013839, OMIM 614653.
Epidermolysis bullosa simplex 3, localized or generalized intermediate, with BP230 deficiency (EBS3). Also called: Epidermolysis bullosa simplex, autosomal recessive 2; Epidermolysis bullosa simplex due to BP230 deficiency. Identifiers: Orphanet 412181, MedGen C3809470, MONDO:0014180, OMIM 615425.

Allele frequency attached by ClinVar (database versions not stated): gnomAD exomes below 0.00001 and 0.00001; gnomAD 0.00001; ExAC 0.00002.
gnomAD v4.1: 8 of 1,614,062 alleles (0.0005%); highest among the groups gnomAD compares: Admixed American, 0.0067%; no homozygotes.

Submission:

Labcorp Genetics (formerly Invitae), Labcorp
Classification: Uncertain significance for Epidermolysis bullosa simplex 3, localized or generalized intermediate, with BP230 deficiency; Hereditary sensory and autonomic neuropathy type 6. Last evaluated: 2021-07-13. Review status: criteria provided, single submitter. Criteria: Invitae Variant Classification Sherloc (09022015). Collection method: clinical testing. Allele origin: germline.
Comment: Algorithms developed to predict the effect of missense changes on protein structure and function (SIFT, PolyPhen-2, Align-GVGD) all suggest that this variant is likely to be disruptive. This sequence change replaces arginine with cysteine at codon 2262 of the DST protein (p.Arg2262Cys). The arginine residue is weakly conserved and there is a large physicochemical difference between arginine and cysteine. This variant is present in population databases (rs752058356, ExAC 0.009%). This variant has not been reported in the literature in individuals affected with DST-related conditions. In summary, the available evidence is currently insufficient to determine the role of this variant in disease. Therefore, it has been classified as a Variant of Uncertain Significance.